The following is an entry in ClinVar:

ClinVar aggregate classification (germline): Likely benign. Review status: criteria provided, multiple submitters, no conflicts (2 of 4 stars). 4 submissions from 4 submitters: Likely benign (4). Last evaluated 2026-05-01.

Conditions:
Hereditary cancer-predisposing syndrome. Also called: Tumor predisposition; Hereditary Cancer Syndrome; Neoplastic Syndromes, Hereditary; Hereditary neoplastic syndrome. Identifiers: Orphanet 140162, MedGen C0027672, MeSH D009386, MONDO:0015356.
Neurofibromatosis, type 2 (SWNV). Also called: BILATERAL ACOUSTIC NEUROFIBROMATOSIS; NF2-Related Schwannomatosis; SCHWANNOMATOSIS, VESTIBULAR. Identifiers: Orphanet 637, MedGen C0027832, MONDO:0007039, OMIM 101000. Disease mechanism: loss of function.

Allele frequency attached by ClinVar (database versions not stated): gnomAD exomes 0.00001.

Submissions (4):

CeGaT Center for Human Genetics Tuebingen
Classification: Likely benign. Last evaluated: 2026-05-01. Review status: criteria provided, single submitter. Criteria: CeGaT Center For Human Genetics Tuebingen Variant Classification Criteria Version 2. Collection method: clinical testing. Allele origin: germline. Affected: yes. Observed: 1 variant allele.
Comment: NF2: BP4, BS1

Ambry Genetics
Classification: Likely benign for Hereditary cancer-predisposing syndrome. Last evaluated: 2025-10-06. Review status: criteria provided, single submitter. Criteria: Ambry Variant Classification Scheme 2023. Collection method: clinical testing. Allele origin: germline.

Labcorp Genetics (formerly Invitae), Labcorp
Classification: Likely benign for Neurofibromatosis, type 2. Last evaluated: 2025-07-31. Review status: criteria provided, single submitter. Criteria: Invitae Variant Classification Sherloc (09022015). Collection method: clinical testing. Allele origin: germline.

Genome-Nilou Lab
Classification: Likely benign for Neurofibromatosis, type 2. Last evaluated: 2021-11-07. Review status: criteria provided, single submitter. Criteria: ACMG Guidelines, 2015. Collection method: clinical testing. Allele origin: germline. Affected: no.

NM_000268.4(NF2):c.448-5T>C

Gene: NF2 (NF2, moesin-ezrin-radixin like (MERLIN) tumor suppressor; plus strand). Cytogenetic location: 22q12.2.
Variant type: single nucleotide variant.
Coding change: c.448-5T>C on transcript NM_000268.4 (MANE Select); 5 bases into the intron before coding-DNA position 448, T replaced by C.
Molecular consequence: intron variant.
Genome position (GRCh38, 1-based): chr22:29,654,652, T>C. VCF-style: chr22-29654652-T-C. GRCh37 (hg19) VCF-style: chr22-30050641-T-C.
Other names: c.448-5T>C (NM_016418.5, NM_181832.3, NM_181825.3); c.447+12367T>C (NM_181833.3); c.325-5T>C (NM_181829.3); c.322-5T>C (NM_181828.3); c.199-5T>C (NM_181830.3, NM_181831.3).
Identifiers: ClinVar variation 237625 (VCV000237625.21), dbSNP rs878853928, ClinGen allele CA10583921.
Genomic context (GRCh38, chr22:29,654,652, plus strand): 5'-CTCTGTTCAGAAATGGCAGTTATCTTTAGAATCTCAATCGCCTGCTCTCCCTTTCTTCTT[T>C]CCAGTATGGTGACTACGACCCCAGTGTTCACAAGCGGGGATTTTTGGCCCAAGAGGAATT-3'